The following is an entry in ClinVar:

NM_000174.5(GP9):c.188T>C (p.Leu63Pro)

Gene: GP9 (glycoprotein IX platelet; plus strand). Cytogenetic location: 3q21.3.
Variant type: single nucleotide variant.
Coding change: c.188T>C on transcript NM_000174.5 (MANE Select); coding-DNA position 188, T replaced by C.
Protein change: p.Leu63Pro; replaces leucine 63 with proline.
Molecular consequence: missense variant.
Genome position (GRCh38, 1-based): chr3:129,061,927, T>C. VCF-style: chr3-129061927-T-C. GRCh37 (hg19) VCF-style: chr3-128780770-T-C.
Other names: NM_000174.5:c.188T>C; short protein forms L63P.
Identifiers: ClinVar variation 4539009 (VCV004539009.1).

ClinVar aggregate classification (germline): Uncertain significance (3 of 4 stars; one submission).

Conditions:
Bernard Soulier syndrome (BSS). Also called: GLYCOPROTEIN Ib, PLATELET, DEFICIENCY OF; PLATELET GLYCOPROTEIN Ib DEFICIENCY; VON WILLEBRAND FACTOR RECEPTOR DEFICIENCY; Giant platelet syndrome; Hemorrhagiparous thrombocytic dystrophy; Giant platelet disease. Identifiers: Orphanet 274, MedGen C0005129, MeSH D001606, MONDO:0009276, OMIM 231200.

Submission:

ClinGen Platelet Disorders Variant Curation Expert Panel, ClinGen
Classification: Uncertain significance for Bernard Soulier syndrome. Last evaluated: 2025-12-16. Review status: reviewed by expert panel. Criteria: ClinGen Platelet ACMG Specifications GP9 V1.0.0. Collection method: curation. Allele origin: germline. Inheritance: Autosomal recessive inheritance.
Comment: The c.188T>C variant in GP9 is a missense variant predicted to cause substitution of Leucine by Proline at amino acid 63 (p.Leu63Pro). At least one patient (Patient P10 in PMID:21173099) with this variant had aggregation absent for ristocetin and present for all other agonists as well as less than 10% expression of GPIba, GP1bb, and GP9 as measured by flow cytometry, which is highly specific for Bernard-Soulier syndrome. Additionally, the patient had excessive mucocutaneous bleeding which is consistent with Bernard-Soulier syndrome (PP4). The computational predictor REVEL gives a score of 0.697, which is above the ClinGen PD VCEP threshold of >0.644 and predicts a damaging effect on GP9 function (PP3). This variant is absent from gnomAD v4.1.0 (PM2_Supporting). In summary, this variant meets the criteria to be classified as VUS for autosomal recessive Bernard-Soulier syndrome based on the ACMG/AMP criteria applied, as specified by the ClinGen PD VCEP: PP4, PM3_Supporting, PP1, PM2_Supporting and PP3 (VCEP specifications version 1.1).